The following is an entry in ClinVar:

ClinVar aggregate classification (germline): Uncertain significance (1 of 4 stars; one submission).

Submission:

Women's Health and Genetics/Laboratory Corporation of America, LabCorp
Classification: Uncertain significance. Last evaluated: 2024-02-28. Review status: criteria provided, single submitter. Criteria: LabCorp Variant Classification Summary - May 2015. Collection method: clinical testing. Allele origin: germline.
Comment: Variant summary: ZFYVE27 c.1174A>G (p.Met392Val) results in a conservative amino acid change located in the FYVE zinc finger domain (IPR000306) of the encoded protein sequence. Three of five in-silico tools predict a damaging effect of the variant on protein function. The variant was absent in 251456 control chromosomes. The available data on variant occurrences in the general population are insufficient to allow any conclusion about variant significance. To our knowledge, no occurrence of c.1174A>G in individuals affected with Hereditary Spastic Paraplegia 33 and no experimental evidence demonstrating its impact on protein function have been reported. No submitters have cited clinical-significance assessments for this variant to ClinVar. Based on the evidence outlined above, the variant was classified as uncertain significance.

NM_001385875.1(ZFYVE27):c.1159A>G (p.Met387Val)

Gene: ZFYVE27 (zinc finger FYVE-type containing 27; plus strand). Cytogenetic location: 10q24.2.
Variant type: single nucleotide variant.
Coding change: c.1159A>G on transcript NM_001385875.1 (MANE Select); coding-DNA position 1159, A replaced by G.
Protein change: p.Met387Val; replaces methionine 387 with valine.
Molecular consequence: missense variant. On other transcripts: non-coding transcript variant (17).
Genome position (GRCh38, 1-based): chr10:97,757,711, A>G. VCF-style: chr10-97757711-A-G. GRCh37 (hg19) VCF-style: chr10-99517468-A-G.
Other names: c.1174A>G, p.Met392Val (NM_001002261.4, NM_001385871.1); c.1138A>G, p.Met380Val (NM_001002262.4, NM_001385880.1, NM_001385881.1 and 2 more transcripts); c.1042A>G, p.Met348Val (NM_001174119.2, NM_001385889.1); c.880A>G, p.Met294Val (NM_001174120.2); c.859A>G, p.Met287Val (NM_001174121.2, NM_001385915.1); c.784A>G, p.Met262Val (NM_001174122.2); c.1192A>G, p.Met398Val (NM_001385876.1); c.1156A>G, p.Met386Val (NM_001385877.1); and 14 more; short protein forms M169V, M262V, M269V, M287V, M294V, M299V, M301V, M306V.
Identifiers: ClinVar variation 3068909 (VCV003068909.2), dbSNP rs1590113165, ClinGen allele CA377998743.